The following is an entry in ClinVar:

ClinVar aggregate classification (germline): Uncertain significance. Review status: criteria provided, multiple submitters, no conflicts (2 of 4 stars). 2 submissions from 2 submitters: Uncertain significance (2). Last evaluated 2025-05-21.

Conditions:
Hereditary cancer-predisposing syndrome. Also called: Hereditary neoplastic syndrome; Neoplastic Syndromes, Hereditary; Tumor predisposition; Hereditary Cancer Syndrome. Identifiers: Orphanet 140162, MedGen C0027672, MeSH D009386, MONDO:0015356.
Tuberous sclerosis 1 (TSC1). Identifiers: Orphanet 805, MedGen C1854465, MONDO:0008612, OMIM 191100.

Allele frequency attached by ClinVar (database versions not stated): gnomAD exomes 0.00001.
gnomAD v4.1: 8 of 1,614,138 alleles (0.0005%); highest among the groups gnomAD compares: Non-Finnish European, 0.00068%; no homozygotes.

Submissions (2):

Ambry Genetics
Classification: Uncertain significance for Hereditary cancer-predisposing syndrome. Last evaluated: 2025-05-21. Review status: criteria provided, single submitter. Criteria: Ambry Variant Classification Scheme 2023. Collection method: clinical testing. Allele origin: germline.
Comment: The p.N34S variant (also known as c.101A>G), located in coding exon 1 of the TSC1 gene, results from an A to G substitution at nucleotide position 101. The asparagine at codon 34 is replaced by serine, an amino acid with highly similar properties. This amino acid position is conserved. In addition, this alteration is predicted to be tolerated by in silico analysis. Since supporting evidence is limited at this time, the clinical significance of this alteration remains unclear.

Labcorp Genetics (formerly Invitae), Labcorp
Classification: Uncertain significance for Tuberous sclerosis 1. Last evaluated: 2024-12-11. Review status: criteria provided, single submitter. Criteria: Invitae Variant Classification Sherloc (09022015). Collection method: clinical testing. Allele origin: germline.
Comment: This sequence change replaces asparagine, which is neutral and polar, with serine, which is neutral and polar, at codon 34 of the TSC1 protein (p.Asn34Ser). This variant is not present in population databases (gnomAD no frequency). This variant has not been reported in the literature in individuals affected with TSC1-related conditions. ClinVar contains an entry for this variant (Variation ID: 466001). Invitae Evidence Modeling of protein sequence and biophysical properties (such as structural, functional, and spatial information, amino acid conservation, physicochemical variation, residue mobility, and thermodynamic stability) indicates that this missense variant is not expected to disrupt TSC1 protein function with a negative predictive value of 95%. In summary, the available evidence is currently insufficient to determine the role of this variant in disease. Therefore, it has been classified as a Variant of Uncertain Significance.

NM_000368.5(TSC1):c.101A>G (p.Asn34Ser)

Gene: TSC1 (TSC complex subunit 1; minus strand). Cytogenetic location: 9q34.13.
Variant type: single nucleotide variant.
Coding change: c.101A>G on transcript NM_000368.5 (MANE Select); coding-DNA position 101, A replaced by G.
Protein change: p.Asn34Ser; replaces asparagine 34 with serine.
Molecular consequence: missense variant. On other transcripts: 5 prime UTR variant (1).
Genome position (GRCh38, 1-based): chr9:132,928,772, T>C on the plus strand (A>G on the coding strand, the complement: TSC1 is on the minus strand). VCF-style: chr9-132928772-T-C. GRCh37 (hg19) VCF-style: chr9-135804159-T-C.
Other names: c.101A>G, p.Asn34Ser (NM_001162426.2, NM_001162427.2); c.-159A>G (NM_001362177.2); short protein forms N34S.
Identifiers: ClinVar variation 466001 (VCV000466001.10), dbSNP rs980870206, ClinGen allele CA375375262.